The following is an entry in ClinVar:

ClinVar aggregate classification (germline): Pathogenic (1 of 4 stars; one submission).

Conditions:
Combined immunodeficiency due to STK4 deficiency (IMD110). Also called: STK4 DEFICIENCY; MST1 DEFICIENCY; T-cell immunodeficiency, recurrent infections, and autoimmunity with or without cardiac malformations. Identifiers: Orphanet 314689, MedGen C3553943, MONDO:0013934, OMIM 614868.

Submission:

Labcorp Genetics (formerly Invitae), Labcorp
Classification: Pathogenic for Combined immunodeficiency due to STK4 deficiency. Last evaluated: 2024-02-22. Review status: criteria provided, single submitter. Criteria: Invitae Variant Classification Sherloc (09022015). Collection method: clinical testing. Allele origin: germline.
Comment: This sequence change creates a premature translational stop signal (p.Glu322*) in the STK4 gene. It is expected to result in an absent or disrupted protein product. Loss-of-function variants in STK4 are known to be pathogenic (PMID: 22174160). This variant is not present in population databases (gnomAD no frequency). This variant has not been reported in the literature in individuals affected with STK4-related conditions. For these reasons, this variant has been classified as Pathogenic.

Literature cited by the submitters: PubMed 22174160.

NM_006282.5(STK4):c.964G>T (p.Glu322Ter)

Gene: STK4 (serine/threonine kinase 4; plus strand). Cytogenetic location: 20q13.12.
Variant type: single nucleotide variant.
Coding change: c.964G>T on transcript NM_006282.5 (MANE Select); coding-DNA position 964, G replaced by T.
Protein change: p.Glu322Ter; replaces glutamic acid 322 with a stop codon.
Molecular consequence: nonsense.
Genome position (GRCh38, 1-based): chr20:45,001,170, G>T. VCF-style: chr20-45001170-G-T. GRCh37 (hg19) VCF-style: chr20-43629811-G-T.
Other names: c.964G>T, p.Glu322Ter (NM_001352385.2); short protein forms E322*.
Identifiers: ClinVar variation 3642667 (VCV003642667.2).